The following is an entry in ClinVar:

ClinVar aggregate classification (germline): Likely benign (1 of 4 stars; one submission).

Conditions:
Immunodeficiency due to MASP-2 deficiency. Also called: MASP2 deficiency; LECTIN COMPLEMENT ACTIVATION PATHWAY, DEFECT IN, 2. Identifiers: Orphanet 331187, MedGen C3151085, MONDO:0013423, OMIM 613791.

Allele frequency attached by ClinVar (database versions not stated): gnomAD 0.00007 and 0.00008; gnomAD exomes 0.00007 and 0.00030; ExAC 0.00011; TOPMed 0.00013; 1000 Genomes Project 0.00040; 1000 Genomes Project 30x 0.00047.
gnomAD v4.1: 115 of 1,551,882 alleles (0.0074%); highest among the groups gnomAD compares: East Asian, 0.16%; 1 homozygote.

Submission:

Illumina Laboratory Services, Illumina
Classification: Likely benign for Immunodeficiency due to MASP-2 deficiency. Last evaluated: 2018-01-12. Review status: criteria provided, single submitter. Criteria: ICSL Variant Classification Criteria 13 December 2019. Collection method: clinical testing. Allele origin: germline.
Comment: This variant was observed in the ICSL laboratory as part of a predisposition screen in an ostensibly healthy population. It had not been previously curated by ICSL or reported in the Human Gene Mutation Database (HGMD: prior to June 1st, 2018), and was therefore a candidate for classification through an automated scoring system. Utilizing variant allele frequency, disease prevalence and penetrance estimates, and inheritance mode, an automated score was calculated to assess if this variant is too frequent to cause the disease. Based on the score and internal cut-off values, a variant classified as likely benign is not then subjected to further curation. The score for this variant resulted in a classification of likely benign for this disease.

NM_006610.4(MASP2):c.99C>T (p.Pro33=)

Gene: MASP2 (MBL associated serine protease 2; minus strand). Cytogenetic location: 1p36.22.
Variant type: single nucleotide variant.
Coding change: c.99C>T on transcript NM_006610.4 (MANE Select); coding-DNA position 99, C replaced by T.
Protein change: p.Pro33=; no amino-acid change (proline 33 retained).
Molecular consequence: synonymous variant.
Genome position (GRCh38, 1-based): chr1:11,047,026, G>A on the plus strand (C>T on the coding strand, the complement: MASP2 is on the minus strand). VCF-style: chr1-11047026-G-A. GRCh37 (hg19) VCF-style: chr1-11107083-G-A.
Other names: c.99C>T, p.Pro33= (NM_139208.3).
Identifiers: ClinVar variation 876829 (VCV000876829.4), dbSNP rs534852238, ClinGen allele CA587249.